The following is an entry in ClinVar:

ClinVar aggregate classification (germline): Uncertain significance. Review status: criteria provided, multiple submitters, no conflicts (2 of 4 stars). 2 submissions from 2 submitters: Uncertain significance (2). Last evaluated 2025-10-15.

Conditions:
Inborn genetic diseases. Identifiers: MedGen C0950123, MeSH D030342.

Allele frequency attached by ClinVar (database versions not stated): gnomAD 0.00001; gnomAD exomes 0.00001; TOPMed 0.00001.
gnomAD v4.1: 18 of 1,612,166 alleles (0.0011%); highest among the groups gnomAD compares: Non-Finnish European, 0.0014%; no homozygotes.

Submissions (2):

Ambry Genetics
Classification: Uncertain significance for Inborn genetic diseases. Last evaluated: 2025-10-15. Review status: criteria provided, single submitter. Criteria: Ambry Variant Classification Scheme 2023. Collection method: clinical testing. Allele origin: germline.

CeGaT Center for Human Genetics Tuebingen
Classification: Uncertain significance. Last evaluated: 2023-11-01. Review status: criteria provided, single submitter. Criteria: CeGaT Center For Human Genetics Tuebingen Variant Classification Criteria Version 2. Collection method: clinical testing. Allele origin: germline. Affected: yes. Observed: 1 variant allele.
Comment: LMOD3: PM2, BP4

NM_198271.5(LMOD3):c.1435A>G (p.Arg479Gly)

Gene: LMOD3 (leiomodin 3; minus strand). Cytogenetic location: 3p14.1.
Variant type: single nucleotide variant.
Coding change: c.1435A>G on transcript NM_198271.5 (MANE Select); coding-DNA position 1435, A replaced by G.
Protein change: p.Arg479Gly; replaces arginine 479 with glycine.
Molecular consequence: missense variant.
Genome position (GRCh38, 1-based): chr3:69,118,920, T>C on the plus strand (A>G on the coding strand, the complement: LMOD3 is on the minus strand). VCF-style: chr3-69118920-T-C. GRCh37 (hg19) VCF-style: chr3-69168071-T-C.
Other names: c.1435A>G, p.Arg479Gly (NM_001304418.3); short protein forms R479G.
Identifiers: ClinVar variation 2361263 (VCV002361263.25), dbSNP rs983117243, ClinGen allele CA76452007.